The following is an entry in ClinVar:

ClinVar aggregate classification (germline): Uncertain significance. Review status: criteria provided, multiple submitters, no conflicts (2 of 4 stars). 4 submissions from 4 submitters: Uncertain significance (4). Last evaluated 2025-08-11.

Conditions:
Inborn genetic diseases. Identifiers: MedGen C0950123, MeSH D030342.
Charcot-Marie-Tooth disease axonal type 2C (HMSN2C). Also called: CHARCOT-MARIE-TOOTH DISEASE, AXONAL, AUTOSOMAL DOMINANT, TYPE 2C; Charcot-Marie-Tooth Neuropathy Type 2C; Charcot-Marie-Tooth Disease Type 2, TRPV4-Related (CMT2C). Identifiers: Orphanet 99937, MedGen C1853710, MONDO:0011633, OMIM 606071.

Allele frequency attached by ClinVar (database versions not stated): gnomAD exomes 0.00001; ExAC 0.00002; TOPMed 0.00002; gnomAD 0.00005 and 0.00006.
gnomAD v4.1: 18 of 1,613,716 alleles (0.0011%); highest among the groups gnomAD compares: African/African-American, 0.0027%; no homozygotes.

Submissions (4):

Labcorp Genetics (formerly Invitae), Labcorp
Classification: Uncertain significance for Charcot-Marie-Tooth disease axonal type 2C. Last evaluated: 2025-08-11. Review status: criteria provided, single submitter. Criteria: Invitae Variant Classification Sherloc (09022015). Collection method: clinical testing. Allele origin: germline.
Comment: This sequence change creates a premature translational stop signal (p.Arg237*) in the TRPV4 gene. It is expected to result in an absent or disrupted protein product. However, the current clinical and genetic evidence is not sufficient to establish whether loss-of-function variants in TRPV4 cause disease. This variant is present in population databases (rs746368269, gnomAD 0.004%). This variant has not been reported in the literature in individuals affected with TRPV4-related conditions. ClinVar contains an entry for this variant (Variation ID: 488906). In summary, the available evidence is currently insufficient to determine the role of this variant in disease. Therefore, it has been classified as a Variant of Uncertain Significance.

MGZ Medical Genetics Center
Classification: Uncertain significance for Charcot-Marie-Tooth disease axonal type 2C. Last evaluated: 2021-08-17. Review status: criteria provided, single submitter. Criteria: ACMG Guidelines, 2015. Collection method: clinical testing. Allele origin: germline. Affected: yes. Observed: 1 variant allele.
Comment: ACMG criteria applied: PM2_SUP, PP3

Ambry Genetics
Classification: Uncertain significance for Inborn genetic diseases. Last evaluated: 2020-06-26. Review status: criteria provided, single submitter. Criteria: Ambry Variant Classification Scheme 2023. Collection method: clinical testing. Allele origin: germline.
Comment: The p.R237* variant (also known as c.709C>T), located in coding exon 3 of the TRPV4 gene, results from a C to T substitution at nucleotide position 709. This changes the amino acid from an arginine to a stop codon within coding exon 3. This alteration is expected to result in premature protein truncation or nonsense-mediated mRNA decay. However, loss of function of TRPV4 has not been clearly established as a mechanism of disease. Since supporting evidence is limited at this time, the clinical significance of this alteration remains unclear.

GeneDx
Classification: Uncertain significance. Last evaluated: 2016-06-02. Review status: criteria provided, single submitter. Criteria: GeneDx Variant Classification (06012015). Collection method: clinical testing. Allele origin: germline. Affected: yes.
Comment: A variant of uncertain significance has been identified in the TRPV4 gene. The R237X variant has not been published as a pathogenic variant, nor has it been reported as a benign variant to our knowledge. It was not observed in approximately 6,500 individuals of European and African American ancestry in the NHLBI Exome Sequencing Project, indicating it is not a common benign variant in these populations. The R237X nonsense variant in the TRPV4 gene is predicted to cause loss of normal protein function either through protein truncation or nonsense-mediated mRNA decay. However, nonsense variants have not been reported in the Human Gene Mutation Database in association with TRPV4-related disease (Stenson et al., 2014). Therefore, based on the currently available information, it is unclear whether this variant is a pathogenic variant or a rare benign variant.

NM_021625.5(TRPV4):c.709C>T (p.Arg237Ter)

Gene: TRPV4 (transient receptor potential cation channel subfamily V member 4; minus strand). Cytogenetic location: 12q24.11.
Variant type: single nucleotide variant.
Coding change: c.709C>T on transcript NM_021625.5 (MANE Select); coding-DNA position 709, C replaced by T.
Protein change: p.Arg237Ter; replaces arginine 237 with a stop codon.
Molecular consequence: nonsense.
Genome position (GRCh38, 1-based): chr12:109,802,994, G>A on the plus strand (C>T on the coding strand, the complement: TRPV4 is on the minus strand). VCF-style: chr12-109802994-G-A. GRCh37 (hg19) VCF-style: chr12-110240799-G-A.
Other names: c.709C>T, p.Arg237Ter (NM_147204.3, NM_001177428.2, NM_001177433.2); c.607C>T, p.Arg203Ter (NM_001177431.2); short protein forms R237*, R203*.
Identifiers: ClinVar variation 488906 (VCV000488906.14), dbSNP rs746368269, ClinGen allele CA6780468.
Genomic context (GRCh38, chr12:109,802,994, plus strand): 5'-CAAAGGACAGCGTCTCCATCAGCCCCCGTGGCACCCCTGCCCAGCCCGGGGCCCCACCTC[G>A]ATAGTAGATGTCACGGAAGGGCGAGTTAATGAACTCCCTCATGTTGCCGGTGCGCTCCGC-3'